The following is an entry in ClinVar:

ClinVar aggregate classification (germline): Conflicting classifications of pathogenicity. Review status: criteria provided, conflicting classifications (1 of 4 stars). 5 submissions from 5 submitters: Uncertain significance (1); Benign (1); Likely benign (3). Last evaluated 2026-06-01.

Allele frequency attached by ClinVar (database versions not stated): ESP Exome Variant Server 0.00031; ExAC 0.00037; gnomAD 0.00037 and 0.00042; TOPMed 0.00038; gnomAD exomes 0.00039.
gnomAD v4.1: 1,176 of 1,613,978 alleles (0.073%); highest among the groups gnomAD compares: Non-Finnish European, 0.093%; 1 homozygote.

Submissions (5):

CeGaT Center for Human Genetics Tuebingen
Classification: Likely benign. Last evaluated: 2026-06-01. Review status: criteria provided, single submitter. Criteria: CeGaT Center For Human Genetics Tuebingen Variant Classification Criteria Version 2. Collection method: clinical testing. Allele origin: germline. Affected: yes. Observed: 8 variant alleles.
Comment: SCN3A: BP4, BP7

Labcorp Genetics (formerly Invitae), Labcorp
Classification: Likely benign. Last evaluated: 2026-01-28. Review status: criteria provided, single submitter. Criteria: Invitae Variant Classification Sherloc (09022015). Collection method: clinical testing. Allele origin: germline.

Mayo Clinic Laboratories, Mayo Clinic
Classification: Benign. Last evaluated: 2025-07-10. Review status: criteria provided, single submitter. Criteria: ACMG Guidelines, 2015. Collection method: clinical testing. Allele origin: germline. Observed: 1 variant allele.
Comment: BA1

Blueprint Genetics
Classification: Likely benign. Last evaluated: 2024-10-18. Review status: criteria provided, single submitter. Criteria: ACMG Guidelines, 2015. Collection method: clinical testing. Allele origin: germline.

Eurofins Ntd Llc (ga)
Classification: Uncertain significance. Last evaluated: 2016-08-09. Review status: criteria provided, single submitter. Criteria: EGL Classification Definitions 2015. Collection method: clinical testing. Allele origin: germline. Observed: 1 variant allele, 1 heterozygote.

NM_006922.4(SCN3A):c.5469T>A (p.Pro1823=)

Gene: SCN3A (sodium voltage-gated channel alpha subunit 3; minus strand). Cytogenetic location: 2q24.3.
Variant type: single nucleotide variant.
Coding change: c.5469T>A on transcript NM_006922.4 (MANE Select); coding-DNA position 5469, T replaced by A.
Protein change: p.Pro1823=; no amino-acid change (proline 1823 retained).
Molecular consequence: synonymous variant.
Genome position (GRCh38, 1-based): chr2:165,090,684, A>T on the plus strand (T>A on the coding strand, the complement: SCN3A is on the minus strand). VCF-style: chr2-165090684-A-T. GRCh37 (hg19) VCF-style: chr2-165947194-A-T.
Other names: p.Pro1823=; c.5322T>A, p.Pro1774= (NM_001081676.2, NM_001081677.2).
Identifiers: ClinVar variation 290006 (VCV000290006.42), dbSNP rs368608408, ClinGen allele CA1938399.
Genomic context (GRCh38, chr2:165,090,684, plus strand): 5'-ACTGACCATGGGCAGATCCATGGCAATAAGCTGGACTTTGTTGGGTTTTGCTATGAGAAG[A>T]GGAGGATCCAGGGCAGCTGCAAAATCAGAGAGTTTAGAGAACTCTATAAACTGGGTCGCA-3'
Protein context (NP_008853.3, residues 1813-1833): LSDFAAALDP[Pro1823=]LLIAKPNKVQ